The following is an entry in ClinVar:

ClinVar aggregate classification (germline): Uncertain significance (1 of 4 stars; one submission).

Allele frequency attached by ClinVar (database versions not stated): TOPMed below 0.00001; gnomAD exomes 0.00001.
gnomAD v4.1: 27 of 1,614,100 alleles (0.0017%); highest among the groups gnomAD compares: Non-Finnish European, 0.0023%; no homozygotes.

Submission:

Labcorp Genetics (formerly Invitae), Labcorp
Classification: Uncertain significance. Last evaluated: 2020-12-23. Review status: criteria provided, single submitter. Criteria: Invitae Variant Classification Sherloc (09022015). Collection method: clinical testing. Allele origin: germline.
Comment: This variant has not been reported in the literature in individuals with DDR2-related conditions. This variant is not present in population databases (ExAC no frequency). This sequence change replaces valine with methionine at codon 250 of the DDR2 protein (p.Val250Met). The valine residue is highly conserved and there is a small physicochemical difference between valine and methionine. Algorithms developed to predict the effect of missense changes on protein structure and function (SIFT, PolyPhen-2, Align-GVGD) all suggest that this variant is likely to be tolerated, but these predictions have not been confirmed by published functional studies and their clinical significance is uncertain. In summary, the available evidence is currently insufficient to determine the role of this variant in disease. Therefore, it has been classified as a Variant of Uncertain Significance.

NM_006182.4(DDR2):c.748G>A (p.Val250Met)

Gene: DDR2 (discoidin domain receptor tyrosine kinase 2; plus strand). Cytogenetic location: 1q23.3.
Variant type: single nucleotide variant.
Coding change: c.748G>A on transcript NM_006182.4 (MANE Select); coding-DNA position 748, G replaced by A.
Protein change: p.Val250Met; replaces valine 250 with methionine.
Molecular consequence: missense variant.
Genome position (GRCh38, 1-based): chr1:162,759,872, G>A. VCF-style: chr1-162759872-G-A. GRCh37 (hg19) VCF-style: chr1-162729662-G-A.
Other names: c.748G>A, p.Val250Met (NM_001014796.3, NM_001354982.2, NM_001354983.2); short protein forms V250M.
Identifiers: ClinVar variation 1486732 (VCV001486732.8), dbSNP rs1484743299, ClinGen allele CA343408429.